The following is an entry in ClinVar:

NM_001131016.2(CIZ1):c.1845T>A (p.Pro615=)

Gene: CIZ1 (CDKN1A interacting zinc finger protein 1; minus strand). Cytogenetic location: 9q34.11.
Variant type: single nucleotide variant.
Coding change: c.1845T>A on transcript NM_001131016.2 (MANE Select); coding-DNA position 1845, T replaced by A.
Protein change: p.Pro615=; no amino-acid change (proline 615 retained).
Molecular consequence: synonymous variant.
Genome position (GRCh38, 1-based): chr9:128,176,449, A>T on the plus strand (T>A on the coding strand, the complement: CIZ1 is on the minus strand). VCF-style: chr9-128176449-A-T. GRCh37 (hg19) VCF-style: chr9-130938728-A-T.
Other names: c.1677T>A, p.Pro559= (NM_001131015.2); c.1662T>A, p.Pro554= (NM_001131017.2); c.1605T>A, p.Pro535= (NM_001131018.2); c.1935T>A, p.Pro645= (NM_001257975.2); c.1542T>A, p.Pro514= (NM_001257976.2); c.1845T>A, p.Pro615= (NM_012127.3).
Identifiers: ClinVar variation 2179450 (VCV002179450.8), dbSNP rs141463590, ClinGen allele CA5257218.

ClinVar aggregate classification (germline): Likely benign. Review status: criteria provided, multiple submitters, no conflicts (2 of 4 stars). 2 submissions from 2 submitters: Likely benign (2). Last evaluated 2026-02-01.

Conditions:
Dystonic disorder. Also called: Dystonia. Identifiers: MedGen C0013421, MONDO:0003441, HP:0001332.

Allele frequency attached by ClinVar (database versions not stated): ExAC 0.00002; gnomAD 0.00006; TOPMed 0.00009; gnomAD exomes 0.00010; 1000 Genomes Project 30x 0.00016; 1000 Genomes Project 0.00020; ESP Exome Variant Server 0.00023.
gnomAD v4.1: 154 of 1,613,640 alleles (0.0095%); highest among the groups gnomAD compares: Non-Finnish European, 0.012%; no homozygotes.

Submissions (2):

CeGaT Center for Human Genetics Tuebingen
Classification: Likely benign. Last evaluated: 2026-02-01. Review status: criteria provided, single submitter. Criteria: CeGaT Center For Human Genetics Tuebingen Variant Classification Criteria Version 2. Collection method: clinical testing. Allele origin: germline. Affected: yes. Observed: 1 variant allele.
Comment: CIZ1: BP4, BP7

Labcorp Genetics (formerly Invitae), Labcorp
Classification: Likely benign for Dystonic disorder. Last evaluated: 2025-09-10. Review status: criteria provided, single submitter. Criteria: Invitae Variant Classification Sherloc (09022015). Collection method: clinical testing. Allele origin: germline.